The following is an entry in ClinVar:

NM_000535.7(PMS2):c.2389A>G (p.Met797Val)

Gene: PMS2 (PMS1 homolog 2, mismatch repair system component; minus strand). Cytogenetic location: 7p22.1.
Variant type: single nucleotide variant.
Coding change: c.2389A>G on transcript NM_000535.7 (MANE Select); coding-DNA position 2389, A replaced by G.
Protein change: p.Met797Val; replaces methionine 797 with valine.
Molecular consequence: missense variant. On other transcripts: non-coding transcript variant (1).
Genome position (GRCh38, 1-based): chr7:5,977,644, T>C on the plus strand (A>G on the coding strand, the complement: PMS2 is on the minus strand). VCF-style: chr7-5977644-T-C. GRCh37 (hg19) VCF-style: chr7-6017275-T-C.
Other names: c.1984A>G, p.Met662Val (NM_001322003.2, NM_001322004.2, NM_001322005.2); c.2233A>G, p.Met745Val (NM_001322006.2); c.2071A>G, p.Met691Val (NM_001322007.2, NM_001322008.2); c.2017A>G, p.Met673Val (NM_001322009.2); c.1828A>G, p.Met610Val (NM_001322010.2); c.1456A>G, p.Met486Val (NM_001322011.2, NM_001322012.2); c.1816A>G, p.Met606Val (NM_001322013.2); c.2422A>G, p.Met808Val (NM_001322014.2); and 1 more; short protein forms M797V, M606V, M673V, M691V, M745V, M694V, M486V, M662V.
Identifiers: ClinVar variation 567698 (VCV000567698.10), dbSNP rs1433888137, ClinGen allele CA366735726.

ClinVar aggregate classification (germline): Uncertain significance. Review status: criteria provided, multiple submitters, no conflicts (2 of 4 stars). 2 submissions from 2 submitters: Uncertain significance (2). Last evaluated 2025-09-25.

Conditions:
Hereditary nonpolyposis colorectal neoplasms. Identifiers: MedGen C0009405, MeSH D003123.
Hereditary cancer-predisposing syndrome. Also called: Neoplastic Syndromes, Hereditary; Tumor predisposition; Hereditary neoplastic syndrome; Hereditary Cancer Syndrome. Identifiers: Orphanet 140162, MedGen C0027672, MeSH D009386, MONDO:0015356.

Allele frequency attached by ClinVar (database versions not stated): gnomAD 0.00001; TOPMed 0.00001.

Submissions (2):

Ambry Genetics
Classification: Uncertain significance for Hereditary cancer-predisposing syndrome. Last evaluated: 2025-09-25. Review status: criteria provided, single submitter. Criteria: Ambry Variant Classification Scheme 2023. Collection method: clinical testing. Allele origin: germline.
Comment: The p.M797V variant (also known as c.2389A>G), located in coding exon 14 of the PMS2 gene, results from an A to G substitution at nucleotide position 2389. The methionine at codon 797 is replaced by valine, an amino acid with highly similar properties. This amino acid position is highly conserved in available vertebrate species. In addition, the in silico prediction for this alteration is inconclusive. Based on the available evidence, the clinical significance of this variant remains unclear.

Labcorp Genetics (formerly Invitae), Labcorp
Classification: Uncertain significance for Hereditary nonpolyposis colorectal neoplasms. Last evaluated: 2025-09-10. Review status: criteria provided, single submitter. Criteria: Invitae Variant Classification Sherloc (09022015). Collection method: clinical testing. Allele origin: germline.
Comment: This sequence change replaces methionine, which is neutral and non-polar, with valine, which is neutral and non-polar, at codon 797 of the PMS2 protein (p.Met797Val). The frequency data for this variant in the population databases (gnomAD) is considered unreliable due to the presence of homologous sequence, such as pseudogenes or paralogs, in the genome. This variant has not been reported in the literature in individuals affected with PMS2-related conditions. ClinVar contains an entry for this variant (Variation ID: 567698). Invitae Evidence Modeling of protein sequence and biophysical properties (such as structural, functional, and spatial information, amino acid conservation, physicochemical variation, residue mobility, and thermodynamic stability) indicates that this missense variant is expected to disrupt PMS2 protein function with a positive predictive value of 80%. In summary, the available evidence is currently insufficient to determine the role of this variant in disease. Therefore, it has been classified as a Variant of Uncertain Significance.